The following is an entry in ClinVar:

ClinVar aggregate classification (germline): Uncertain significance. Review status: criteria provided, multiple submitters, no conflicts (2 of 4 stars). 3 submissions from 3 submitters: Uncertain significance (3). Last evaluated 2024-08-30.

Conditions:
Dyskeratosis congenita. Identifiers: Orphanet 1775, MedGen C0265965, MONDO:0015780.
Idiopathic Pulmonary Fibrosis. Also called: Idiopathic fibrosing alveolitis, chronic form; idiopathic fibrosing alveolitis. Identifiers: Orphanet 2032, MedGen C1800706, MeSH D054990, MONDO:0800504.
Dyskeratosis congenita, autosomal dominant 2. Identifiers: MedGen C3151443, MONDO:0013521, OMIM 613989.

Submissions (3):

Ambry Genetics
Classification: Uncertain significance for Dyskeratosis congenita. Last evaluated: 2024-08-30. Review status: criteria provided, single submitter. Criteria: Ambry Variant Classification Scheme 2023. Collection method: clinical testing. Allele origin: germline.
Comment: The p.V977I variant (also known as c.2929G>A), located in coding exon 12 of the TERT gene, results from a G to A substitution at nucleotide position 2929. The valine at codon 977 is replaced by isoleucine, an amino acid with highly similar properties. This amino acid position is conserved. In addition, this alteration is predicted to be tolerated by in silico analysis. Based on the available evidence, the clinical significance of this variant remains unclear.

GeneDx
Classification: Uncertain significance. Last evaluated: 2024-06-24. Review status: criteria provided, single submitter. Criteria: GeneDx Variant Classification Process June 2021. Collection method: clinical testing. Allele origin: germline. Affected: yes.
Comment: Not observed at significant frequency in large population cohorts (gnomAD); In silico analysis indicates that this missense variant does not alter protein structure/function; Has not been previously published as pathogenic or benign to our knowledge

Labcorp Genetics (formerly Invitae), Labcorp
Classification: Uncertain significance for Dyskeratosis congenita, autosomal dominant 2; Idiopathic Pulmonary Fibrosis. Last evaluated: 2022-08-15. Review status: criteria provided, single submitter. Criteria: Invitae Variant Classification Sherloc (09022015). Collection method: clinical testing. Allele origin: germline.
Comment: In summary, the available evidence is currently insufficient to determine the role of this variant in disease. Therefore, it has been classified as a Variant of Uncertain Significance. Algorithms developed to predict the effect of missense changes on protein structure and function output the following: SIFT: "Tolerated"; PolyPhen-2: "Benign"; Align-GVGD: "Class C0". The isoleucine amino acid residue is found in multiple mammalian species, which suggests that this missense change does not adversely affect protein function. ClinVar contains an entry for this variant (Variation ID: 936271). This variant has not been reported in the literature in individuals affected with TERT-related conditions. This variant is not present in population databases (gnomAD no frequency). This sequence change replaces valine, which is neutral and non-polar, with isoleucine, which is neutral and non-polar, at codon 977 of the TERT protein (p.Val977Ile).

NM_198253.3(TERT):c.2929G>A (p.Val977Ile)

Gene: TERT (telomerase reverse transcriptase; minus strand). Cytogenetic location: 5p15.33.
Variant type: single nucleotide variant.
Coding change: c.2929G>A on transcript NM_198253.3 (MANE Select); coding-DNA position 2929, G replaced by A.
Protein change: p.Val977Ile; replaces valine 977 with isoleucine.
Molecular consequence: missense variant. On other transcripts: non-coding transcript variant (2).
Genome position (GRCh38, 1-based): chr5:1,260,515, C>T on the plus strand (G>A on the coding strand, the complement: TERT is on the minus strand). VCF-style: chr5-1260515-C-T. GRCh37 (hg19) VCF-style: chr5-1260630-C-T.
Other names: c.2740G>A, p.Val914Ile (NM_001193376.3); short protein forms V914I, V977I.
Identifiers: ClinVar variation 936271 (VCV000936271.12), dbSNP rs1482563385, ClinGen allele CA359069874.